The following is an entry in ClinVar:

ClinVar aggregate classification (germline): Likely pathogenic (1 of 4 stars; one submission).

Submission:

Quest Diagnostics Nichols Institute San Juan Capistrano
Classification: Likely pathogenic. Last evaluated: 2019-12-10. Review status: criteria provided, single submitter. Criteria: Quest Diagnostics criteria. Collection method: clinical testing. Allele origin: unknown.
Comment: The variant results in a shift of the reading frame, and is therefore predicted to result in the loss of a functional protein. Not found in the total gnomAD dataset, and the data is high quality.

NM_007294.4(BRCA1):c.4955del (p.Met1652fs)

Gene: BRCA1 (BRCA1 DNA repair associated; minus strand). Cytogenetic location: 17q21.31.
Variant type: Deletion.
Coding change: c.4955del on transcript NM_007294.4 (MANE Select); coding-DNA position 4955, one base deleted (T; older notation c.4955delT).
Protein change: p.Met1652fs; shifts the reading frame from methionine 1652.
Molecular consequence: frameshift variant. On other transcripts: non-coding transcript variant (1).
Genome position (GRCh38, 1-based): chr17:43,070,959, A deleted on the plus strand (T on the coding strand, the reverse complement: BRCA1 is on the minus strand). VCF-style (leftmost placement, unchanged base first): chr17-43070958-CA-C. GRCh37 (hg19) VCF-style: chr17-41222975-CA-C.
Other names: c.4742delT, p.Met1581Argfs (NM_001407571.1, NM_001407894.1, NM_001407895.1 and 12 more transcripts); c.5021delT, p.Met1674Argfs (NM_001407581.1, NM_001407582.1); c.5018delT, p.Met1673Argfs (NM_001407583.1, NM_001407585.1, NM_001407587.1); c.5015delT, p.Met1672Argfs (NM_001407590.1, NM_001407591.1); c.4955delT, p.Met1652Argfs (NM_001407593.1, NM_001407594.1, NM_001407596.1 and 9 more transcripts); c.4952delT, p.Met1651Argfs (NM_001407610.1, NM_001407611.1, NM_001407612.1 and 17 more transcripts); c.4949delT, p.Met1650Argfs (NM_001407627.1, NM_001407628.1, NM_001407629.1 and 14 more transcripts); c.4946delT, p.Met1649Argfs (NM_001407644.1, NM_001407645.1); and 73 more; short protein forms M1605fs, M1652fs, M1673fs, M548fs.
Identifiers: ClinVar variation 993138 (VCV000993138.2), dbSNP rs2052365251, ClinGen allele CA1139665577.
Genomic context (GRCh38, chr17:43,070,958, plus strand): 5'-CATTAGGGAGATACATATGGATACACTCACAAATTCTTCTGGGGTCAGGCCAGACACCAC[CA>C]TGGACATTCTTTTGTTGACCCTTTCTGTTGAAGCTGTCAATTCTGGCTTCTCCCTGCTCA-3'